The following is an entry in ClinVar:

ClinVar aggregate classification (germline): Uncertain significance (1 of 4 stars; one submission).

Allele frequency attached by ClinVar (database versions not stated): gnomAD 0.00001; TOPMed 0.00002; gnomAD exomes 0.00003; ExAC 0.00006.
gnomAD v4.1: 38 of 1,611,586 alleles (0.0024%); highest among the groups gnomAD compares: Admixed American, 0.005%; no homozygotes.

Submission:

Labcorp Genetics (formerly Invitae), Labcorp
Classification: Uncertain significance. Last evaluated: 2024-11-12. Review status: criteria provided, single submitter. Criteria: Invitae Variant Classification Sherloc (09022015). Collection method: clinical testing. Allele origin: germline.
Comment: This sequence change replaces arginine, which is basic and polar, with glutamine, which is neutral and polar, at codon 654 of the TAOK2 protein (p.Arg654Gln). This variant is present in population databases (rs780869753, gnomAD 0.006%). This variant has not been reported in the literature in individuals affected with TAOK2-related conditions. ClinVar contains an entry for this variant (Variation ID: 2892907). An algorithm developed to predict the effect of missense changes on protein structure and function (PolyPhen-2) suggests that this variant is likely to be tolerated. In summary, the available evidence is currently insufficient to determine the role of this variant in disease. Therefore, it has been classified as a Variant of Uncertain Significance.

NM_016151.4(TAOK2):c.1961G>A (p.Arg654Gln)

Gene: TAOK2 (TAO kinase 2; plus strand). Cytogenetic location: 16p11.2.
Variant type: single nucleotide variant.
Coding change: c.1961G>A on transcript NM_016151.4 (MANE Select); coding-DNA position 1961, G replaced by A.
Protein change: p.Arg654Gln; replaces arginine 654 with glutamine.
Molecular consequence: missense variant.
Genome position (GRCh38, 1-based): chr16:29,985,830, G>A. VCF-style: chr16-29985830-G-A. GRCh37 (hg19) VCF-style: chr16-29997151-G-A.
Other names: c.1961G>A, p.Arg654Gln (NM_001252043.2, NM_004783.4); short protein forms R654Q.
Identifiers: ClinVar variation 2892907 (VCV002892907.3), dbSNP rs780869753, ClinGen allele CA7998263.